The following is an entry in ClinVar:

ClinVar aggregate classification (germline): Pathogenic (1 of 4 stars; one submission).

Conditions:
Neurofibromatosis, type 1 (NF1). Also called: NEUROFIBROMATOSIS, TYPE I, SOMATIC; VON RECKLINGHAUSEN DISEASE; Peripheral type neurofibromatosis; Neurofibromatosis, type I. Identifiers: Orphanet 636, MedGen C0027831, MONDO:0018975, OMIM 162200. Disease mechanism: loss of function.

Submission:

Labcorp Genetics (formerly Invitae), Labcorp
Classification: Pathogenic for Neurofibromatosis, type 1. Last evaluated: 2025-08-03. Review status: criteria provided, single submitter. Criteria: Invitae Variant Classification Sherloc (09022015). Collection method: clinical testing. Allele origin: germline.
Comment: This sequence change creates a premature translational stop signal (p.His310Tyrfs*8) in the NF1 gene. It is expected to result in an absent or disrupted protein product. Loss-of-function variants in NF1 are known to be pathogenic (PMID: 10712197, 23913538). This variant is not present in population databases (gnomAD no frequency). This variant has not been reported in the literature in individuals affected with NF1-related conditions. For these reasons, this variant has been classified as Pathogenic.

Literature cited by the submitters: PubMed 10712197; PubMed 23913538.

NM_001042492.3(NF1):c.927_928insTA (p.His310fs)

Gene: NF1 (neurofibromin 1; plus strand). Cytogenetic location: 17q11.2.
Variant type: Insertion.
Coding change: c.927_928insTA on transcript NM_001042492.3 (MANE Select); coding-DNA positions 927 to 928, TA inserted.
Protein change: p.His310fs; shifts the reading frame from histidine 310.
Molecular consequence: frameshift variant.
Genome position: GRCh38 VCF-style: chr17-31200460-C-CTA. GRCh37 (hg19) VCF-style: chr17-29527478-C-CTA.
Other names: c.927_928insTA, p.His310fs (NM_000267.4, NM_001128147.3); short protein forms H310fs.
Identifiers: ClinVar variation 4724668 (VCV004724668.1).